The following is an entry in ClinVar:

ClinVar aggregate classification (germline): Likely benign. Review status: criteria provided, multiple submitters, no conflicts (2 of 4 stars). 2 submissions from 2 submitters: Likely benign (2). Last evaluated 2026-07-08.

Conditions:
Rhabdoid tumor predisposition syndrome 2 (RTPS2). Identifiers: Orphanet 231108, Orphanet 69077, MedGen C2750074, MONDO:0013224, OMIM 613325.

Allele frequency attached by ClinVar (database versions not stated): gnomAD 0.00001; TOPMed 0.00001; 1000 Genomes Project 30x 0.00016; 1000 Genomes Project 0.00020; gnomAD exomes 0.00003 and below 0.00001; ExAC 0.00008.
gnomAD v4.1: 7 of 1,581,338 alleles (0.00044%); highest among the groups gnomAD compares: East Asian, 0.0093%; no homozygotes.

Submissions (2):

Myriad Genetics, Inc.
Classification: Likely benign for Rhabdoid tumor predisposition syndrome 2. Last evaluated: 2026-07-08. Review status: criteria provided, single submitter. Criteria: Myriad Autosomal Dominant, Autosomal Recessive and X-Linked Classification Criteria (2023). Collection method: clinical testing. Allele origin: unknown.
Comment: This variant is considered likely benign. This variant is intronic and is not expected to impact mRNA splicing.

Labcorp Genetics (formerly Invitae), Labcorp
Classification: Likely benign for Rhabdoid tumor predisposition syndrome 2. Last evaluated: 2025-11-17. Review status: criteria provided, single submitter. Criteria: Invitae Variant Classification Sherloc (09022015). Collection method: clinical testing. Allele origin: germline.

NM_003072.5(SMARCA4):c.4769-19C>T

Gene: SMARCA4 (SWI/SNF related BAF chromatin remodeling complex subunit ATPase 4; plus strand). Cytogenetic location: 19p13.2.
Variant type: single nucleotide variant.
Coding change: c.4769-19C>T on transcript NM_003072.5 (MANE Select); 19 bases into the intron before coding-DNA position 4769, C replaced by T.
Molecular consequence: intron variant.
Genome position (GRCh38, 1-based): chr19:11,060,026, C>T. VCF-style: chr19-11060026-C-T. GRCh37 (hg19) VCF-style: chr19-11170702-C-T.
Other names: c.4769-19C>T (NM_001128844.3); c.4865-19C>T (NM_001128849.3, NM_001387283.1); c.4670-19C>T (NM_001128847.4, NM_001374457.1); c.4679-19C>T (NM_001128845.2); c.4676-19C>T (NM_001128846.2); c.4667-19C>T (NM_001128848.2).
Identifiers: ClinVar variation 1642431 (VCV001642431.9), dbSNP rs539184412, ClinGen allele CA9204877.
Genomic context (GRCh38, chr19:11,060,026, plus strand): 5'-CGGCTCCCAGACGCCCCTTGCTGTGGGGGTGCTGCATTCCCAGAGCTCAAGGCTGTCTTT[C>T]CCTCCCGGTCCCCTCCAGCTCGGTCCGTCAAAGTGAAGATCAAGCTTGGCCGGAAGGAGA-3'